The following is an entry in ClinVar:

NM_005262.3(GFER):c.112G>A (p.Gly38Ser)

Genes: GFER (growth factor, augmenter of liver regeneration; plus strand), LOC130058203 (ATAC-STARR-seq lymphoblastoid silent region 7014; plus strand). Cytogenetic location: 16p13.3.
Variant type: single nucleotide variant.
Coding change: c.112G>A on transcript NM_005262.3 (MANE Select); coding-DNA position 112, G replaced by A.
Protein change: p.Gly38Ser; replaces glycine 38 with serine.
Molecular consequence: missense variant.
Genome position (GRCh38, 1-based): chr16:1,984,330, G>A. VCF-style: chr16-1984330-G-A. GRCh37 (hg19) VCF-style: chr16-2034331-G-A.
Other names: short protein forms G38S.
Identifiers: ClinVar variation 2052915 (VCV002052915.2), dbSNP rs1165547554, ClinGen allele CA394300728.

ClinVar aggregate classification (germline): Uncertain significance. Review status: criteria provided, multiple submitters, no conflicts (2 of 4 stars). 2 submissions from 2 submitters: Uncertain significance (2). Last evaluated 2022-10-30.

Conditions:
Congenital cataract-progressive muscular hypotonia-hearing loss-developmental delay syndrome. Also called: Myopathy with cataract and combined respiratory-chain deficiency; MITOCHONDRIAL COMPLEX DEFICIENCY, COMBINED. Identifiers: Orphanet 330054, MedGen C2751320, MONDO:0013116, OMIM 613076.

Allele frequency attached by ClinVar (database versions not stated): gnomAD 0.00001; gnomAD exomes 0.00001; TOPMed 0.00003.

Submissions (2):

Department of Pathology and Laboratory Medicine, Sinai Health System
Classification: Uncertain significance for Congenital cataract-progressive muscular hypotonia-hearing loss-developmental delay syndrome. Last evaluated: 2022-10-30. Review status: criteria provided, single submitter. Criteria: ACMG Guidelines, 2015. Collection method: research. Allele origin: germline.

Labcorp Genetics (formerly Invitae), Labcorp
Classification: Uncertain significance. Last evaluated: 2022-05-25. Review status: criteria provided, single submitter. Criteria: Invitae Variant Classification Sherloc (09022015). Collection method: clinical testing. Allele origin: germline.
Comment: This sequence change replaces glycine, which is neutral and non-polar, with serine, which is neutral and polar, at codon 38 of the GFER protein (p.Gly38Ser). This variant is present in population databases (no rsID available, gnomAD 0.04%). This variant has not been reported in the literature in individuals affected with GFER-related conditions. Algorithms developed to predict the effect of missense changes on protein structure and function are either unavailable or do not agree on the potential impact of this missense change (SIFT: "Deleterious"; PolyPhen-2: "Possibly Damaging"; Align-GVGD: "Class C0"). In summary, the available evidence is currently insufficient to determine the role of this variant in disease. Therefore, it has been classified as a Variant of Uncertain Significance.